The following is an entry in ClinVar:

NM_001244008.2(KIF1A):c.2342C>A (p.Ala781Asp)

Gene: KIF1A (kinesin family member 1A; minus strand). Cytogenetic location: 2q37.3.
Variant type: single nucleotide variant.
Coding change: c.2342C>A on transcript NM_001244008.2 (MANE Select); coding-DNA position 2342, C replaced by A.
Protein change: p.Ala781Asp; replaces alanine 781 with aspartic acid.
Molecular consequence: missense variant.
Genome position (GRCh38, 1-based): chr2:240,760,767, G>T on the plus strand (C>A on the coding strand, the complement: KIF1A is on the minus strand). VCF-style: chr2-240760767-G-T. GRCh37 (hg19) VCF-style: chr2-241700184-G-T.
Other names: c.2342C>A, p.Ala781Asp (NM_001320705.2, NM_001330289.2, NM_001379638.1); c.2417C>A, p.Ala806Asp (NM_001330290.2, NM_001379631.1, NM_001379634.1 and 2 more transcripts); c.2315C>A, p.Ala772Asp (NM_001379632.1, NM_001379633.1, NM_001379636.1 and 11 more transcripts); c.2390C>A, p.Ala797Asp (NM_001379637.1, NM_001379648.1); short protein forms A772D, A797D, A806D, A781D.
Identifiers: ClinVar variation 2924117 (VCV002924117.3), dbSNP rs1378942061, ClinGen allele CA351324919.

ClinVar aggregate classification (germline): Uncertain significance (1 of 4 stars; one submission).

Conditions:
Neuropathy, hereditary sensory, type 2C. Also called: Hereditary sensory and autonomic neuropathy type IIC; KIF1A-Related HSAN2 (HSAN2C). Identifiers: Orphanet 970, MedGen C3280168, MONDO:0013634, OMIM 614213.
Hereditary spastic paraplegia 30. Identifiers: Orphanet 101010, MedGen C5235139, MONDO:0012476.
Intellectual disability, autosomal dominant 9 (NESCAVS). Also called: NESCAV SYNDROME; KIF1A-Related Neurodevelopmental Disorder. Identifiers: Orphanet 662367, MedGen C5393830, MONDO:0013656, OMIM 614255.

Allele frequency attached by ClinVar (database versions not stated): gnomAD exomes below 0.00001.
gnomAD v4.1: 2 of 1,602,712 alleles (0.00012%); highest among the groups gnomAD compares: Admixed American, 0.0017%; no homozygotes.

Submission:

Labcorp Genetics (formerly Invitae), Labcorp
Classification: Uncertain significance for Hereditary spastic paraplegia 30; Neuropathy, hereditary sensory, type 2C; Intellectual disability, autosomal dominant 9. Last evaluated: 2024-01-04. Review status: criteria provided, single submitter. Criteria: Invitae Variant Classification Sherloc (09022015). Collection method: clinical testing. Allele origin: germline.
Comment: This sequence change replaces alanine, which is neutral and non-polar, with aspartic acid, which is acidic and polar, at codon 772 of the KIF1A protein (p.Ala772Asp). The frequency data for this variant in the population databases is considered unreliable, as metrics indicate poor data quality at this position in the gnomAD database. This variant has not been reported in the literature in individuals affected with KIF1A-related conditions. Advanced modeling of protein sequence and biophysical properties (such as structural, functional, and spatial information, amino acid conservation, physicochemical variation, residue mobility, and thermodynamic stability) has been performed at Invitae for this missense variant, however the output from this modeling did not meet the statistical confidence thresholds required to predict the impact of this variant on KIF1A protein function. In summary, the available evidence is currently insufficient to determine the role of this variant in disease. Therefore, it has been classified as a Variant of Uncertain Significance.